The following is an entry in ClinVar:

NM_032322.4(RNF135):c.901del (p.Gln301fs)

Gene: RNF135 (ring finger protein 135; plus strand). Cytogenetic location: 17q11.2.
Variant type: Deletion.
Coding change: c.901del on transcript NM_032322.4 (MANE Select); coding-DNA position 901, one base deleted (C; older notation c.901delC).
Protein change: p.Gln301fs; shifts the reading frame from glutamine 301.
Molecular consequence: frameshift variant. On other transcripts: 3 prime UTR variant (2).
Genome position (GRCh38, 1-based): chr17:30,998,793, C deleted; the last of 2 consecutive C bases (chr17:30,998,792-30,998,793); deleting either gives the same sequence. VCF-style (leftmost placement, unchanged base first): chr17-30998791-GC-G. GRCh37 (hg19) VCF-style: chr17-29325809-GC-G.
Other names: c.*105del (NM_001184992.2, NM_197939.2); short protein forms Q301fs.
Identifiers: ClinVar variation 283729 (VCV000283729.7), dbSNP rs773691749, ClinGen allele CA8485363.

ClinVar aggregate classification (germline): Uncertain significance. Review status: criteria provided, multiple submitters, no conflicts (2 of 4 stars). 2 submissions from 2 submitters: Uncertain significance (2). Last evaluated 2016-11-30.

Submissions (2):

Center for Pediatric Genomic Medicine, Children's Mercy Hospital and Clinics
Classification: Uncertain significance. Last evaluated: 2016-11-30. Review status: criteria provided, single submitter. Criteria: ACMG Guidelines, 2015. Collection method: clinical testing. Allele origin: germline.
ClinVar note: Converted during submission from Uncertain Significance to Uncertain significance.

Eurofins Ntd Llc (ga)
Classification: Uncertain significance. Last evaluated: 2015-10-05. Review status: criteria provided, single submitter. Criteria: EGL Classification Definitions 2015. Collection method: clinical testing. Allele origin: germline.